The following is an entry in ClinVar:

ClinVar aggregate classification (germline): Uncertain significance. Review status: criteria provided, multiple submitters, no conflicts (2 of 4 stars). 2 submissions from 2 submitters: Uncertain significance (2). Last evaluated 2024-03-19.

gnomAD v4.1: 2 of 1,611,118 alleles (0.00012%); highest among the groups gnomAD compares: Non-Finnish European, 0.000085%; no homozygotes.

Submissions (2):

GeneDx
Classification: Uncertain significance. Last evaluated: 2024-03-19. Review status: criteria provided, single submitter. Criteria: GeneDx Variant Classification Process June 2021. Collection method: clinical testing. Allele origin: germline. Affected: yes.
Comment: Not observed at significant frequency in large population cohorts (gnomAD); In silico analysis supports that this missense variant has a deleterious effect on protein structure/function; Has not been previously published as pathogenic or benign to our knowledge

Blueprint Genetics
Classification: Uncertain significance. Last evaluated: 2021-04-21. Review status: criteria provided, single submitter. Criteria: ACMG Guidelines, 2015. Collection method: clinical testing. Allele origin: germline.

NM_002709.3(PPP1CB):c.937C>T (p.Arg313Cys)

Gene: PPP1CB (protein phosphatase 1 catalytic subunit beta; plus strand). Cytogenetic location: 2p23.2.
Variant type: single nucleotide variant.
Coding change: c.937C>T on transcript NM_002709.3 (MANE Select); coding-DNA position 937, C replaced by T.
Protein change: p.Arg313Cys; replaces arginine 313 with cysteine.
Molecular consequence: missense variant.
Genome position (GRCh38, 1-based): chr2:28,799,256, C>T. VCF-style: chr2-28799256-C-T. GRCh37 (hg19) VCF-style: chr2-29022122-C-T.
Other names: c.937C>T, p.Arg313Cys (NM_206876.2); short protein forms R313C.
Identifiers: ClinVar variation 3371228 (VCV003371228.2).
Genomic context (GRCh38, chr2:28,799,256, plus strand): 5'-AAGATATTGAAACCATCTGAAAAGAAAGCTAAATACCAGTATGGTGGACTGAATTCTGGA[C>T]GTCCTGTCACTCCACCTCGAACAGCTAATCCGCCGAAGAAAAGGTGAAGAAAGGAATTCT-3'
Protein context (NP_002700.1, residues 303-323): KYQYGGLNSG[Arg313Cys]PVTPPRTANP